The following is an entry in ClinVar:

NM_004260.4(RECQL4):c.304G>C (p.Val102Leu)

Gene: RECQL4 (RecQ like helicase 4; minus strand). Cytogenetic location: 8q24.3.
Variant type: single nucleotide variant.
Coding change: c.304G>C on transcript NM_004260.4 (MANE Select); coding-DNA position 304, G replaced by C.
Protein change: p.Val102Leu; replaces valine 102 with leucine.
Molecular consequence: missense variant. On other transcripts: 5 prime UTR variant (17), non-coding transcript variant (3).
Genome position (GRCh38, 1-based): chr8:144,517,100, C>G on the plus strand (G>C on the coding strand, the complement: RECQL4 is on the minus strand). VCF-style: chr8-144517100-C-G. GRCh37 (hg19) VCF-style: chr8-145742484-C-G.
Other names: c.304G>C, p.Val102Leu (NM_001413017.1, NM_001413018.1, NM_001413019.1 and 5 more transcripts); c.-417G>C (NM_001413021.1); c.-768G>C (NM_001413022.1, NM_001413023.1, NM_001413037.1 and 3 more transcripts); c.-665G>C (NM_001413024.1, NM_001413035.1); c.175G>C, p.Val59Leu (NM_001413025.1); c.-830G>C (NM_001413027.1, NM_001413030.1, NM_001413031.1 and 1 more transcripts); c.-493G>C (NM_001413028.1); c.-727G>C (NM_001413032.1); and 2 more; short protein forms V59L, V102L.
Identifiers: ClinVar variation 3431851 (VCV003431851.1).

ClinVar aggregate classification (germline): Uncertain significance (1 of 4 stars; one submission).

Conditions:
Inborn genetic diseases. Identifiers: MedGen C0950123, MeSH D030342.

Submission:

Ambry Genetics
Classification: Uncertain significance for Inborn genetic diseases. Last evaluated: 2024-11-20. Review status: criteria provided, single submitter. Criteria: Ambry Variant Classification Scheme 2023. Collection method: clinical testing. Allele origin: germline.
Comment: The p.V102L variant (also known as c.304G>C), located in coding exon 4 of the RECQL4 gene, results from a G to C substitution at nucleotide position 304. The valine at codon 102 is replaced by leucine, an amino acid with highly similar properties. This amino acid position is conserved. In addition, this alteration is predicted to be tolerated by in silico analysis. Based on the available evidence, the clinical significance of this variant remains unclear.